The following is an entry in ClinVar:

ClinVar aggregate classification (germline): Likely benign. Review status: criteria provided, multiple submitters, no conflicts (2 of 4 stars). 4 submissions from 3 submitters: Likely benign (4). Last evaluated 2025-10-15.

Conditions:
Cardiovascular phenotype. Identifiers: MedGen CN230736.
Hereditary cancer-predisposing syndrome. Also called: Hereditary neoplastic syndrome; Neoplastic Syndromes, Hereditary; Tumor predisposition; Hereditary Cancer Syndrome. Identifiers: Orphanet 140162, MedGen C0027672, MeSH D009386, MONDO:0015356.
Neurofibromatosis, type 1 (NF1). Also called: VON RECKLINGHAUSEN DISEASE; Peripheral type neurofibromatosis; NEUROFIBROMATOSIS, TYPE I, SOMATIC; Neurofibromatosis, type I. Identifiers: Orphanet 636, MedGen C0027831, MONDO:0018975, OMIM 162200. Disease mechanism: loss of function.

Submissions (4):

Labcorp Genetics (formerly Invitae), Labcorp
Classification: Likely benign for Neurofibromatosis, type 1. Last evaluated: 2025-10-15. Review status: criteria provided, single submitter. Criteria: Invitae Variant Classification Sherloc (09022015). Collection method: clinical testing. Allele origin: germline.

Ambry Genetics
Classification: Likely benign for Cardiovascular phenotype; Hereditary cancer-predisposing syndrome. Last evaluated: 2024-07-23. Review status: criteria provided, single submitter. Criteria: Ambry Variant Classification Scheme 2023. Collection method: clinical testing. Allele origin: germline.

Genome-Nilou Lab
Classification: Likely benign for Neurofibromatosis, type 1. Last evaluated: 2022-03-15. Review status: criteria provided, single submitter. Criteria: ACMG Guidelines, 2015. Collection method: clinical testing. Allele origin: germline. Affected: no.

Ambry Genetics
Classification: Likely benign for Hereditary cancer-predisposing syndrome. Last evaluated: 2016-03-15. Review status: criteria provided, single submitter. Criteria: Ambry Autosomal Dominant and X-Linked criteria (10/2015). Collection method: clinical testing. Allele origin: germline. Observed: 1 variant allele.
Comment: Synonymous alterations with insufficient evidence to classify as benign

NM_001042492.3(NF1):c.7542C>T (p.Thr2514=)

Gene: NF1 (neurofibromin 1; plus strand). Cytogenetic location: 17q11.2.
Variant type: single nucleotide variant.
Coding change: c.7542C>T on transcript NM_001042492.3 (MANE Select); coding-DNA position 7542, C replaced by T.
Protein change: p.Thr2514=; no amino-acid change (threonine 2514 retained).
Molecular consequence: synonymous variant.
Genome position (GRCh38, 1-based): chr17:31,352,341, C>T. VCF-style: chr17-31352341-C-T. GRCh37 (hg19) VCF-style: chr17-29679359-C-T.
Other names: c.7479C>T, p.Thr2493= (NM_000267.4).
Identifiers: ClinVar variation 484024 (VCV000484024.11), dbSNP rs1444018213, ClinGen allele CA499239283.
Genomic context (GRCh38, chr17:31,352,341, plus strand): 5'-GTCCTCTCCCAAAGGTTCTGAAGGATACCTTGCAGCCACCTATCCAACTGTCGGCCAGAC[C>T]AGTCCCCGAGCCAGGAAATCCATGAGCCTGGACATGGGGCAACCTTCTCAGGCCAACACT-3'
Protein context (NP_001035957.1, residues 2504-2524): LAATYPTVGQ[Thr2514=]SPRARKSMSL